The following is an entry in ClinVar:

NM_001104.4(ACTN3):c.2641G>T (p.Ala881Ser)

Gene: ACTN3 (actinin alpha 3; plus strand). Cytogenetic location: 11q13.2.
Variant type: single nucleotide variant.
Coding change: c.2641G>T on transcript NM_001104.4 (MANE Select); coding-DNA position 2641, G replaced by T.
Protein change: p.Ala881Ser; replaces alanine 881 with serine.
Molecular consequence: missense variant.
Genome position (GRCh38, 1-based): chr11:66,563,128, G>T. VCF-style: chr11-66563128-G-T. GRCh37 (hg19) VCF-style: chr11-66330599-G-T.
Other names: c.2770G>T, p.Ala924Ser (NM_001258371.3); short protein forms A881S, A924S.
Identifiers: ClinVar variation 3038906 (VCV003038906.2), dbSNP rs193169026, ClinGen allele CA6125152.
Genomic context (GRCh38, chr11:66,563,128, plus strand): 5'-CTCCCTGCCAAGCAGGCCGAGTACTGCATCCGCCGTATGGTGCCCTACAAGGGATCCGGG[G>T]CCCCGGCTGGAGCCCTGGACTACGTGGCCTTCTCCAGTGCCCTCTATGGGGAGAGCGACC-3'
Protein context (NP_001095.2, residues 871-891): RRMVPYKGSG[Ala881Ser]PAGALDYVAF

ClinVar aggregate classification (germline): Likely benign (0 of 4 stars; one submission).

Conditions:
ACTN3-related disorder. Also called: ACTN3-related condition.

Allele frequency attached by ClinVar (database versions not stated): ExAC 0.00073; gnomAD 0.00184; 1000 Genomes Project 30x 0.00187; 1000 Genomes Project 0.00200; TOPMed 0.00235; ESP Exome Variant Server 0.00257.
gnomAD v4.1: 763 of 1,613,374 alleles (0.047%); highest among the groups gnomAD compares: African/African-American, 0.72%; 3 homozygotes.

Submission:

PreventionGenetics, part of Exact Sciences
Classification: Likely benign for ACTN3-related condition. Last evaluated: 2019-06-27. Review status: no assertion criteria provided. Collection method: clinical testing. Allele origin: germline.
Comment: This variant is classified as likely benign based on ACMG/AMP sequence variant interpretation guidelines (Richards et al. 2015 PMID: 25741868, with internal and published modifications).